The following is an entry in ClinVar:

NM_005120.3(MED12):c.4903_4906delinsCCAGCA (p.Val1635fs)

Gene: MED12 (mediator complex subunit 12; plus strand). Cytogenetic location: Xq13.1.
Variant type: Indel.
Coding change: c.4903_4906delinsCCAGCA on transcript NM_005120.3 (MANE Select); coding-DNA positions 4903 to 4906, GTTC replaced by CCAGCA.
Protein change: p.Val1635fs; shifts the reading frame from valine 1635.
Molecular consequence: frameshift variant.
Genome position (GRCh38, 1-based): chrX:71,135,131-71,135,134, GTTC replaced by CCAGCA. VCF-style: chrX-71135131-GTTC-CCAGCA. GRCh37 (hg19) VCF-style: chrX-70354981-GTTC-CCAGCA.
Other names: DEL/INS, NT4903; short protein forms V1635fs.
Identifiers: ClinVar variation 1210248 (VCV001210248.3), dbSNP rs2147823333, ClinGen allele CA2499226832.

ClinVar aggregate classification (germline): Pathogenic. Review status: no assertion criteria provided (0 of 4 stars). 2 submissions from 2 submitters: Pathogenic (1). 1 of the submissions does not count toward it. Last evaluated 2021-12-16.

Conditions:
Cholestasis-pigmentary retinopathy-cleft palate syndrome (HDKR). Also called: Hardikar Syndrome (HS). Identifiers: Orphanet 1415, MedGen C0795969, MeSH C535632, MONDO:0012997, OMIM 301068.
FG syndrome 1 (OKS). Also called: OPITZ-KAVEGGIA SYNDROME; KELLER SYNDROME; MENTAL RETARDATION, LARGE HEAD, IMPERFORATE ANUS, CONGENITAL HYPOTONIA, AND PARTIAL AGENESIS OF CORPUS CALLOSUM; FG Syndrome Type 1 (FGS1). Identifiers: Orphanet 93932, MedGen C5399762, MONDO:0010590, OMIM 305450.

Submissions (2):

OMIM
Classification: Pathogenic for HARDIKAR SYNDROME. Last evaluated: 2021-12-16. Review status: no assertion criteria provided. Collection method: literature only. Allele origin: germline.

GeneReviews
No classification provided. Condition: FG syndrome. Review status: no classification provided. Collection method: literature only. Allele origin: germline. Not counted in ClinVar's aggregate classification.

Literature cited by the submitters: PubMed 33244166 (cited by OMIM and GeneReviews); PubMed 18792981 (cited by OMIM); PubMed 26471230 (cited by OMIM); PubMed 20301719 (cited by GeneReviews).